The following is an entry in ClinVar:

ClinVar aggregate classification (germline): Uncertain significance. Review status: criteria provided, multiple submitters, no conflicts (2 of 4 stars). 2 submissions from 2 submitters: Uncertain significance (2). Last evaluated 2025-04-20.

Allele frequency attached by ClinVar (database versions not stated): gnomAD 0.00003; ExAC 0.00002; TOPMed 0.00004; gnomAD exomes 0.00002 and 0.00005.
gnomAD v4.1: 79 of 1,613,150 alleles (0.0049%); highest among the groups gnomAD compares: Non-Finnish European, 0.0062%; no homozygotes.

Submissions (2):

Ambry Genetics
Classification: Uncertain significance. Last evaluated: 2025-04-20. Review status: criteria provided, single submitter. Criteria: Ambry Variant Classification Scheme 2023. Collection method: clinical testing. Allele origin: germline.

Labcorp Genetics (formerly Invitae), Labcorp
Classification: Uncertain significance. Last evaluated: 2022-05-16. Review status: criteria provided, single submitter. Criteria: Invitae Variant Classification Sherloc (09022015). Collection method: clinical testing. Allele origin: germline.
Comment: This sequence change replaces leucine, which is neutral and non-polar, with phenylalanine, which is neutral and non-polar, at codon 681 of the RUSC2 protein (p.Leu681Phe). This variant is present in population databases (rs768062231, gnomAD 0.006%). This variant has not been reported in the literature in individuals affected with RUSC2-related conditions. Algorithms developed to predict the effect of missense changes on protein structure and function are either unavailable or do not agree on the potential impact of this missense change (SIFT: "Tolerated"; PolyPhen-2: "Possibly Damaging"; Align-GVGD: "Class C0"). In summary, the available evidence is currently insufficient to determine the role of this variant in disease. Therefore, it has been classified as a Variant of Uncertain Significance.

NM_014806.5(RUSC2):c.2041C>T (p.Leu681Phe)

Gene: RUSC2 (RUN and SH3 domain containing 2; plus strand). Cytogenetic location: 9p13.3.
Variant type: single nucleotide variant.
Coding change: c.2041C>T on transcript NM_014806.5 (MANE Select); coding-DNA position 2041, C replaced by T.
Protein change: p.Leu681Phe; replaces leucine 681 with phenylalanine.
Molecular consequence: missense variant. On other transcripts: 5 prime UTR variant (1), non-coding transcript variant (1).
Genome position (GRCh38, 1-based): chr9:35,555,086, C>T. VCF-style: chr9-35555086-C-T. GRCh37 (hg19) VCF-style: chr9-35555083-C-T.
Other names: c.2041C>T, p.Leu681Phe (NM_001135999.2); c.-594C>T (NM_001330740.2); c.2041C>T (NM_001135999.1); short protein forms L681F.
Identifiers: ClinVar variation 1375930 (VCV001375930.6), dbSNP rs768062231, ClinGen allele CA5043796.